The following is an entry in ClinVar:

ClinVar aggregate classification (germline): Uncertain significance (1 of 4 stars; one submission).

Submission:

Labcorp Genetics (formerly Invitae), Labcorp
Classification: Uncertain significance. Last evaluated: 2022-04-29. Review status: criteria provided, single submitter. Criteria: Invitae Variant Classification Sherloc (09022015). Collection method: clinical testing. Allele origin: germline.
Comment: In summary, the available evidence is currently insufficient to determine the role of this variant in disease. Therefore, it has been classified as a Variant of Uncertain Significance. Algorithms developed to predict the effect of missense changes on protein structure and function are either unavailable or do not agree on the potential impact of this missense change (SIFT: "Tolerated"; PolyPhen-2: "Not Available"; Align-GVGD: "Class C0"). This variant has not been reported in the literature in individuals affected with PCLO-related conditions. This variant is not present in population databases (gnomAD no frequency). This sequence change replaces lysine, which is basic and polar, with threonine, which is neutral and polar, at codon 191 of the PCLO protein (p.Lys191Thr).

NM_033026.6(PCLO):c.572A>C (p.Lys191Thr)

Gene: PCLO (piccolo presynaptic cytomatrix protein; minus strand). Cytogenetic location: 7q21.11.
Variant type: single nucleotide variant.
Coding change: c.572A>C on transcript NM_033026.6 (MANE Select); coding-DNA position 572, A replaced by C.
Protein change: p.Lys191Thr; replaces lysine 191 with threonine.
Molecular consequence: missense variant.
Genome position (GRCh38, 1-based): chr7:83,156,069, T>G on the plus strand (A>C on the coding strand, the complement: PCLO is on the minus strand). VCF-style: chr7-83156069-T-G. GRCh37 (hg19) VCF-style: chr7-82785385-T-G.
Other names: c.572A>C, p.Lys191Thr (NM_014510.3); short protein forms K191T.
Identifiers: ClinVar variation 2149561 (VCV002149561.4), dbSNP rs2484906206, ClinGen allele CA367920509.
Genomic context (GRCh38, chr7:83,156,069, plus strand): 5'-AAAGGAGGTTTTATGATTCCTTCAGGTTTTCCTTGCTCCTTCTGAACCACTTTTTGTTTC[T>G]TGGTGGTTTCTTCCTGGGATGCCTCAGAGTCTGATATCAAATCAAAAGGGTTGAATTTAT-3'
Protein context (NP_149015.2, residues 181-201): DSEASQEETT[Lys191Thr]KQKVVQKEQG